The following is an entry in ClinVar:

ClinVar aggregate classification (germline): Benign. Review status: criteria provided, multiple submitters, no conflicts (2 of 4 stars). 2 submissions from 2 submitters: Benign (2). Last evaluated 2018-01-13.

Conditions:
Hermansky-Pudlak syndrome 1 (HPS1). Also called: DELTA STORAGE POOL DISEASE. Identifiers: Orphanet 231500, Orphanet 79430, MedGen C2931875, MONDO:0008748, OMIM 203300.

Allele frequency attached by ClinVar (database versions not stated): gnomAD exomes 0.27069; gnomAD 0.39286 and 0.39309; TOPMed 0.40581; 1000 Genomes Project 30x 0.45831; 1000 Genomes Project 0.46146.
gnomAD v4.1: 60,846 of 156,666 alleles (39%); highest among the groups gnomAD compares: African/African-American, 57%; 13,062 homozygotes.

Submissions (2):

Illumina Laboratory Services, Illumina
Classification: Benign for Hermansky-Pudlak syndrome 1. Last evaluated: 2018-01-13. Review status: criteria provided, single submitter. Criteria: ICSL Variant Classification Criteria 13 December 2019. Collection method: clinical testing. Allele origin: germline.
Comment: This variant was observed in the ICSL laboratory as part of a predisposition screen in an ostensibly healthy population. It had not been previously curated by ICSL or reported in the Human Gene Mutation Database (HGMD: prior to June 1st, 2018), and was therefore a candidate for classification through an automated scoring system. Utilizing variant allele frequency, disease prevalence and penetrance estimates, and inheritance mode, an automated score was calculated to assess if this variant is too frequent to cause the disease. Based on the score and internal cut-off values, a variant classified as benign is not then subjected to further curation. The score for this variant resulted in a classification of benign for this disease.

Breakthrough Genomics
Classification: Benign. Review status: criteria provided, single submitter. Criteria: ACMG Guidelines, 2015. Collection method: not provided. Allele origin: germline. Inheritance: Autosomal recessive inheritance. Affected: yes.

NM_000195.5(HPS1):c.*452G>A

Gene: HPS1 (HPS1 biogenesis of lysosomal organelles complex 3 subunit 1; minus strand). Cytogenetic location: 10q24.2.
Variant type: single nucleotide variant.
Coding change: c.*452G>A on transcript NM_000195.5 (MANE Select); 452 bases downstream of the stop codon, G replaced by A.
Molecular consequence: 3 prime UTR variant.
Genome position (GRCh38, 1-based): chr10:98,417,112, C>T on the plus strand (G>A on the coding strand, the complement: HPS1 is on the minus strand). VCF-style: chr10-98417112-C-T. GRCh37 (hg19) VCF-style: chr10-100176869-C-T.
Other names: c.*452G>A (NM_001311345.2, NM_001322476.2, NM_001322477.2 and 10 more transcripts).
Identifiers: ClinVar variation 298329 (VCV000298329.6), dbSNP rs701801, ClinGen allele CA10633029.